The following is an entry in ClinVar:

NM_002519.3(NPAT):c.386A>G (p.Gln129Arg)

Gene: NPAT (nuclear protein, coactivator of histone transcription; minus strand). Cytogenetic location: 11q22.3.
Variant type: single nucleotide variant.
Coding change: c.386A>G on transcript NM_002519.3 (MANE Select); coding-DNA position 386, A replaced by G.
Protein change: p.Gln129Arg; replaces glutamine 129 with arginine.
Molecular consequence: missense variant.
Genome position (GRCh38, 1-based): chr11:108,189,276, T>C on the plus strand (A>G on the coding strand, the complement: NPAT is on the minus strand). VCF-style: chr11-108189276-T-C. GRCh37 (hg19) VCF-style: chr11-108060003-T-C.
Other names: c.386A>G, p.Gln129Arg (NM_001321307.1); short protein forms Q129R.
Identifiers: ClinVar variation 1735666 (VCV001735666.3), dbSNP rs761550717, ClinGen allele CA382525151.
Genomic context (GRCh38, chr11:108,189,276, plus strand): 5'-GTGGTAAACTGTCCTGAAAGGTAAGGTAAAGTGAGCAACTCTGCACTGGCTGGAGCTGTT[T>C]GAGATGCAAGCTTTCTCTGCCGTTTGATTTCTGCAATTCCAGTTCTCGTTCGGGCTGAAA-3'
Protein context (NP_002510.2, residues 119-139): EIKRQRKLAS[Gln129Arg]TAPASAELLT

ClinVar aggregate classification (germline): Uncertain significance (1 of 4 stars; one submission).

Submission:

Ambry Genetics
Classification: Uncertain significance. Last evaluated: 2023-08-25. Review status: criteria provided, single submitter. Criteria: Ambry Variant Classification Scheme 2023. Collection method: clinical testing. Allele origin: germline.
Comment: The p.Q129R variant (also known as c.386A>G), located in coding exon 6 of the NPAT gene, results from an A to G substitution at nucleotide position 386. The glutamine at codon 129 is replaced by arginine, an amino acid with highly similar properties. This amino acid position is conserved. In addition, this alteration is predicted to be tolerated by in silico analysis. Since supporting evidence is limited at this time, the clinical significance of this alteration remains unclear.